The following is an entry in ClinVar:

ClinVar aggregate classification (germline): Uncertain significance (1 of 4 stars; one submission).

Submission:

Labcorp Genetics (formerly Invitae), Labcorp
Classification: Uncertain significance. Last evaluated: 2024-04-15. Review status: criteria provided, single submitter. Criteria: Invitae Variant Classification Sherloc (09022015). Collection method: clinical testing. Allele origin: germline.
Comment: This sequence change replaces glycine, which is neutral and non-polar, with serine, which is neutral and polar, at codon 3 of the SLC25A32 protein (p.Gly3Ser). This variant is not present in population databases (gnomAD no frequency). This variant has not been reported in the literature in individuals affected with SLC25A32-related conditions. ClinVar contains an entry for this variant (Variation ID: 1928510). Algorithms developed to predict the effect of missense changes on protein structure and function output the following: SIFT: "Not Available"; PolyPhen-2: "Benign"; Align-GVGD: "Not Available". The serine amino acid residue is found in multiple mammalian species, which suggests that this missense change does not adversely affect protein function. In summary, the available evidence is currently insufficient to determine the role of this variant in disease. Therefore, it has been classified as a Variant of Uncertain Significance.

NM_030780.5(SLC25A32):c.7G>A (p.Gly3Ser)

Gene: SLC25A32 (solute carrier family 25 member 32; minus strand). Cytogenetic location: 8q22.3.
Variant type: single nucleotide variant.
Coding change: c.7G>A on transcript NM_030780.5 (MANE Select); coding-DNA position 7, G replaced by A.
Protein change: p.Gly3Ser; replaces glycine 3 with serine.
Molecular consequence: missense variant. On other transcripts: non-coding transcript variant (2).
Genome position (GRCh38, 1-based): chr8:103,414,931, C>T on the plus strand (G>A on the coding strand, the complement: SLC25A32 is on the minus strand). VCF-style: chr8-103414931-C-T. GRCh37 (hg19) VCF-style: chr8-104427159-C-T.
Other names: short protein forms G3S.
Identifiers: ClinVar variation 1928510 (VCV001928510.5), dbSNP rs2488216144, ClinGen allele CA371632518.